The following is an entry in ClinVar:

ClinVar aggregate classification (germline): Conflicting classifications of pathogenicity. Review status: criteria provided, conflicting classifications (1 of 4 stars). 5 submissions from 5 submitters: Uncertain significance (3); Likely benign (2). Last evaluated 2025-12-20.

Conditions:
DOLK-related disorder. Also called: DOLK-related condition.
Cardiovascular phenotype. Identifiers: MedGen CN230736.
DK1-congenital disorder of glycosylation. Also called: CONGENITAL DISORDER OF GLYCOSYLATION, TYPE Im; DOLK-congenital disorder of glycosylation; CDG Im; DK1 DEFICIENCY; DOLICHOL KINASE DEFICIENCY; DK1-CDG. Identifiers: Orphanet 91131, MedGen C1835849, MONDO:0012556, OMIM 610768.

Allele frequency attached by ClinVar (database versions not stated): gnomAD 0.00003; gnomAD exomes 0.00004 and 0.00021; ESP Exome Variant Server 0.00008; TOPMed 0.00009; ExAC 0.00020.

Submissions (5):

Labcorp Genetics (formerly Invitae), Labcorp
Classification: Likely benign for DK1-congenital disorder of glycosylation. Last evaluated: 2025-12-20. Review status: criteria provided, single submitter. Criteria: Invitae Variant Classification Sherloc (09022015). Collection method: clinical testing. Allele origin: germline.

Ambry Genetics
Classification: Uncertain significance for Cardiovascular phenotype. Last evaluated: 2025-11-25. Review status: criteria provided, single submitter. Criteria: Ambry Variant Classification Scheme 2023. Collection method: clinical testing. Allele origin: germline.
Comment: The p.V127A variant (also known as c.380T>C), located in coding exon 1 of the DOLK gene, results from a T to C substitution at nucleotide position 380. The valine at codon 127 is replaced by alanine, an amino acid with similar properties. This amino acid position is conserved. In addition, the in silico prediction for this alteration is inconclusive. Since supporting evidence is limited at this time, the clinical significance of this alteration remains unclear.

PreventionGenetics, part of Exact Sciences
Classification: Likely benign for DOLK-related condition. Last evaluated: 2025-09-03. Review status: criteria provided, single submitter. Criteria: ACMG Guidelines, 2015. Collection method: clinical testing. Allele origin: germline.
Comment: This variant is classified as likely benign based on ACMG/AMP sequence variant interpretation guidelines (Richards et al. 2015 PMID: 25741868, with internal and published modifications).

Revvity Omics, Revvity
Classification: Uncertain significance for DK1-congenital disorder of glycosylation. Last evaluated: 2024-10-16. Review status: criteria provided, single submitter. Criteria: ACMG Guidelines, 2015. Collection method: clinical testing. Allele origin: germline.

GeneDx
Classification: Uncertain significance. Last evaluated: 2019-05-03. Review status: criteria provided, single submitter. Criteria: GeneDx Variant Classification Process June 2021. Collection method: clinical testing. Allele origin: germline. Affected: yes.

NM_014908.4(DOLK):c.380T>C (p.Val127Ala)

Gene: DOLK (dolichol kinase; minus strand). Cytogenetic location: 9q34.11.
Variant type: single nucleotide variant.
Coding change: c.380T>C on transcript NM_014908.4 (MANE Select); coding-DNA position 380, T replaced by C.
Protein change: p.Val127Ala; replaces valine 127 with alanine.
Molecular consequence: missense variant.
Genome position (GRCh38, 1-based): chr9:128,946,924, A>G on the plus strand (T>C on the coding strand, the complement: DOLK is on the minus strand). VCF-style: chr9-128946924-A-G. GRCh37 (hg19) VCF-style: chr9-131709203-A-G.
Other names: short protein forms V127A.
Identifiers: ClinVar variation 1094058 (VCV001094058.14), dbSNP rs201629680, ClinGen allele CA5271756.